The following is an entry in ClinVar:

NM_058004.4(PI4KA):c.6036C>T (p.Pro2012=)

Gene: PI4KA (phosphatidylinositol 4-kinase alpha; minus strand). Cytogenetic location: 22q11.21.
Variant type: single nucleotide variant.
Coding change: c.6036C>T on transcript NM_058004.4 (MANE Select); coding-DNA position 6036, C replaced by T.
Protein change: p.Pro2012=; no amino-acid change (proline 2012 retained).
Molecular consequence: synonymous variant.
Genome position (GRCh38, 1-based): chr22:20,710,746, G>A on the plus strand (C>T on the coding strand, the complement: PI4KA is on the minus strand). VCF-style: chr22-20710746-G-A. GRCh37 (hg19) VCF-style: chr22-21065034-G-A.
Other names: c.5943C>T, p.Pro1981= (NM_001362862.2); c.5970C>T, p.Pro1990= (NM_001362863.2).
Identifiers: ClinVar variation 784557 (VCV000784557.43), dbSNP rs150339960, ClinGen allele CA10114453.
Genomic context (GRCh38, chr22:20,710,746, plus strand): 5'-CACCCAGGCTCACCGCACAGCCAGGTAGCCTCGGACACACATCTCCATGAACCACTTGAA[G>A]GGTGTGGCCTCCATCTTGCCCCCCATGATCATCACCATCTCATCCGTCAGCTTGATGTCG-3'
Protein context (NP_477352.3, residues 2002-2022): MIMGGKMEAT[Pro2012=]FKWFMEMCVR

ClinVar aggregate classification (germline): Benign/Likely benign. Review status: criteria provided, multiple submitters, no conflicts (2 of 4 stars). 3 submissions from 3 submitters: Benign (1); Likely benign (2). Last evaluated 2026-08-01.

Allele frequency attached by ClinVar (database versions not stated): gnomAD 0.00067; ESP Exome Variant Server 0.00100; gnomAD exomes 0.00222; ExAC 0.00363.

Submissions (3):

CeGaT Center for Human Genetics Tuebingen
Classification: Likely benign. Last evaluated: 2026-08-01. Review status: criteria provided, single submitter. Criteria: CeGaT Center For Human Genetics Tuebingen Variant Classification Criteria Version 2. Collection method: clinical testing. Allele origin: germline. Affected: yes. Observed: 14 variant alleles.
Comment: PI4KA: BP4, BP7

Blueprint Genetics
Classification: Likely benign. Last evaluated: 2024-11-18. Review status: criteria provided, single submitter. Criteria: ACMG Guidelines, 2015. Collection method: clinical testing. Allele origin: germline.

Labcorp Genetics (formerly Invitae), Labcorp
Classification: Benign. Last evaluated: 2017-12-19. Review status: criteria provided, single submitter. Criteria: Invitae Variant Classification Sherloc (09022015). Collection method: clinical testing. Allele origin: germline.